The following is an entry in ClinVar:

NM_016180.5(SLC45A2):c.377T>A (p.Val126Asp)

Gene: SLC45A2 (solute carrier family 45 member 2; minus strand). Cytogenetic location: 5p13.2.
Variant type: single nucleotide variant.
Coding change: c.377T>A on transcript NM_016180.5 (MANE Select); coding-DNA position 377, T replaced by A.
Protein change: p.Val126Asp; replaces valine 126 with aspartic acid.
Molecular consequence: missense variant.
Genome position (GRCh38, 1-based): chr5:33,984,207, A>T on the plus strand (T>A on the coding strand, the complement: SLC45A2 is on the minus strand). VCF-style: chr5-33984207-A-T. GRCh37 (hg19) VCF-style: chr5-33984312-A-T.
Other names: c.377T>A, p.Val126Asp (NM_001012509.4, NM_001297417.4); short protein forms V126D.
Identifiers: ClinVar variation 1011671 (VCV001011671.6), dbSNP rs780291781, ClinGen allele CA3225818.

ClinVar aggregate classification (germline): Uncertain significance (1 of 4 stars; one submission).

Allele frequency attached by ClinVar (database versions not stated): gnomAD 0.00003; gnomAD exomes below 0.00001 and 0.00002; ExAC 0.00003; TOPMed 0.00001.
gnomAD v4.1: 10 of 1,613,904 alleles (0.00062%); highest among the groups gnomAD compares: Non-Finnish European, 0.00085%; no homozygotes.

Submission:

Labcorp Genetics (formerly Invitae), Labcorp
Classification: Uncertain significance. Last evaluated: 2022-09-19. Review status: criteria provided, single submitter. Criteria: Invitae Variant Classification Sherloc (09022015). Collection method: clinical testing. Allele origin: germline.
Comment: This sequence change replaces valine, which is neutral and non-polar, with aspartic acid, which is acidic and polar, at codon 126 of the SLC45A2 protein (p.Val126Asp). This variant is present in population databases (rs780291781, gnomAD 0.004%). This missense change has been observed in individuals with clinical features of oculocutaneous albinism (PMID: 20861488, 27734839). ClinVar contains an entry for this variant (Variation ID: 1011671). Advanced modeling of protein sequence and biophysical properties (such as structural, functional, and spatial information, amino acid conservation, physicochemical variation, residue mobility, and thermodynamic stability) has been performed at Invitae for this missense variant, however the output from this modeling did not meet the statistical confidence thresholds required to predict the impact of this variant on SLC45A2 protein function. In summary, the available evidence is currently insufficient to determine the role of this variant in disease. Therefore, it has been classified as a Variant of Uncertain Significance.

Literature cited by the submitters: PubMed 20861488; PubMed 27734839.